The following is an entry in ClinVar:

ClinVar aggregate classification (germline): Uncertain significance (1 of 4 stars; one submission).

gnomAD v4.1: 1 of 1,611,670 alleles (0.000062%); highest among the groups gnomAD compares: African/African-American, 0.0013%; no homozygotes.

Submission:

GeneDx
Classification: Uncertain significance. Last evaluated: 2017-03-16. Review status: criteria provided, single submitter. Criteria: GeneDx Variant Classification (06012015). Collection method: clinical testing. Allele origin: germline. Affected: yes.
Comment: The c.704+5 G>A variant has not been published as a pathogenic variant, nor has it been reported as a benign variant to our knowledge. The c.704+5 G>A variant is not observed in large population cohorts (Lek et al., 2016; 1000 Genomes Consortium et al., 2015; Exome Variant Server). Several in-silico splice prediction models predict that c.704+5 G>A may destroy the natural splice donor site of intron 5 lead to abnormal gene splicing. However, in the absence of RNA/functional studies, the actual effect of this sequence change in this individual is unknown. Therefore, based on the currently available information, it is unclear whether this variant is a pathogenic variant or a rare benign variant.

NM_001909.5(CTSD):c.704+5G>A

Gene: CTSD (cathepsin D; minus strand). Cytogenetic location: 11p15.5.
Variant type: single nucleotide variant.
Coding change: c.704+5G>A on transcript NM_001909.5 (MANE Select); 5 bases into the intron after coding-DNA position 704, G replaced by A.
Molecular consequence: intron variant.
Genome position (GRCh38, 1-based): chr11:1,757,319, C>T on the plus strand (G>A on the coding strand, the complement: CTSD is on the minus strand). VCF-style: chr11-1757319-C-T. GRCh37 (hg19) VCF-style: chr11-1778549-C-T.
Identifiers: ClinVar variation 424310 (VCV000424310.2), dbSNP rs1064796905, ClinGen allele CA16619295.
Genomic context (GRCh38, chr11:1,757,319, plus strand): 5'-GGCTCCCCGTCCAGCCCCGCCCTGCCTCCCAGCAACGCGGAGCGAGAGGGAACCCACACG[C>T]CCACCTGCTCAGGTAGAAGGAGAAGATGTTCTGGTCCACCAGCTTCTGCTGCATCAGGTT-3'